The following is an entry in ClinVar:

ClinVar aggregate classification (germline): Uncertain significance. Review status: criteria provided, multiple submitters, no conflicts (2 of 4 stars). 2 submissions from 2 submitters: Uncertain significance (2). Last evaluated 2024-07-23.

Conditions:
Hereditary cancer-predisposing syndrome. Also called: Hereditary Cancer Syndrome; Hereditary neoplastic syndrome; Neoplastic Syndromes, Hereditary; Tumor predisposition. Identifiers: Orphanet 140162, MedGen C0027672, MeSH D009386, MONDO:0015356.

Submissions (2):

Ambry Genetics
Classification: Uncertain significance for Hereditary cancer-predisposing syndrome. Last evaluated: 2024-07-23. Review status: criteria provided, single submitter. Criteria: Ambry Variant Classification Scheme 2023. Collection method: clinical testing. Allele origin: germline.
Comment: The p.L263R variant (also known as c.788T>G), located in coding exon 6 of the BRIP1 gene, results from a T to G substitution at nucleotide position 788. The leucine at codon 263 is replaced by arginine, an amino acid with dissimilar properties. This amino acid position is conserved. In addition, this alteration is predicted to be deleterious by in silico analysis. Based on the available evidence, the clinical significance of this variant remains unclear.

Sema4
Classification: Uncertain significance for Hereditary cancer-predisposing syndrome. Last evaluated: 2021-12-15. Review status: criteria provided, single submitter. Criteria: Sema4 Curation Guidelines. Collection method: curation. Allele origin: germline.
Comment: The BRIP1 c.788T>G (p.L263R) variant has not been reported in the literature to our knowledge. It was not observed in the large and broad cohorts of the Genome Aggregation Database (PMID: 32461654). The variant has not been reported in ClinVar. In silico tools suggest the impact of the variant on protein function is deleterious, though these predictions have not been confirmed by functional studies. The evidence is insufficient to meet ACMG/AMP criteria for classifying the variant as benign or pathogenic. Thus, the clinical significance of this variant is currently uncertain.

NM_032043.3(BRIP1):c.788T>G (p.Leu263Arg)

Gene: BRIP1 (BRCA1 interacting DNA helicase 1; minus strand). Cytogenetic location: 17q23.2.
Variant type: single nucleotide variant.
Coding change: c.788T>G on transcript NM_032043.3 (MANE Select); coding-DNA position 788, T replaced by G.
Protein change: p.Leu263Arg; replaces leucine 263 with arginine.
Molecular consequence: missense variant.
Genome position (GRCh38, 1-based): chr17:61,808,597, A>C on the plus strand (T>G on the coding strand, the complement: BRIP1 is on the minus strand). VCF-style: chr17-61808597-A-C. GRCh37 (hg19) VCF-style: chr17-59885958-A-C.
Other names: short protein forms L263R.
Identifiers: ClinVar variation 1691990 (VCV001691990.2), dbSNP rs2145416654, ClinGen allele CA400484905.